The following is an entry in ClinVar:

NM_018489.3(ASH1L):c.2090C>G (p.Ala697Gly)

Gene: ASH1L (ASH1 like histone lysine methyltransferase; minus strand). Cytogenetic location: 1q22.
Variant type: single nucleotide variant.
Coding change: c.2090C>G on transcript NM_018489.3 (MANE Select); coding-DNA position 2090, C replaced by G.
Protein change: p.Ala697Gly; replaces alanine 697 with glycine.
Molecular consequence: missense variant.
Genome position (GRCh38, 1-based): chr1:155,480,780, G>C on the plus strand (C>G on the coding strand, the complement: ASH1L is on the minus strand). VCF-style: chr1-155480780-G-C. GRCh37 (hg19) VCF-style: chr1-155450571-G-C.
Other names: c.2090C>G, p.Ala697Gly (NM_001366177.2); short protein forms A697G.
Identifiers: ClinVar variation 3373537 (VCV003373537.1).
Genomic context (GRCh38, chr1:155,480,780, plus strand): 5'-GGTTTTCTTCCTTTTCTTTTTTTTAATGGTTTGGACTGCAAACTAGTACTTAGGCTTTCA[G>C]CAACTTGGCAGTGTTTGTCTGATGCAGATACTGCACCCAGTTTTAAAAAAGGCTTATTAC-3'
Protein context (NP_060959.2, residues 687-707): VSASDKHCQV[Ala697Gly]ESLSTSLQSK

ClinVar aggregate classification (germline): Uncertain significance (1 of 4 stars; one submission).

Submission:

GeneDx
Classification: Uncertain significance. Last evaluated: 2024-02-29. Review status: criteria provided, single submitter. Criteria: GeneDx Variant Classification Process June 2021. Collection method: clinical testing. Allele origin: germline. Affected: yes.
Comment: Not observed at significant frequency in large population cohorts (gnomAD); In silico analysis supports that this missense variant does not alter protein structure/function; Has not been previously published as pathogenic or benign to our knowledge